The following is an entry in ClinVar:

NM_015425.6(POLR1A):c.3563C>T (p.Ser1188Phe)

Gene: POLR1A (RNA polymerase I subunit A; minus strand). Cytogenetic location: 2p11.2.
Variant type: single nucleotide variant.
Coding change: c.3563C>T on transcript NM_015425.6 (MANE Select); coding-DNA position 3563, C replaced by T.
Protein change: p.Ser1188Phe; replaces serine 1188 with phenylalanine.
Molecular consequence: missense variant.
Genome position (GRCh38, 1-based): chr2:86,041,898, G>A on the plus strand (C>T on the coding strand, the complement: POLR1A is on the minus strand). VCF-style: chr2-86041898-G-A. GRCh37 (hg19) VCF-style: chr2-86269021-G-A.
Other names: short protein forms S1188F.
Identifiers: ClinVar variation 1938382 (VCV001938382.5), dbSNP rs1304112424, ClinGen allele CA347552870.

ClinVar aggregate classification (germline): Uncertain significance (1 of 4 stars; one submission).

Allele frequency attached by ClinVar (database versions not stated): gnomAD exomes below 0.00001; TOPMed below 0.00001; gnomAD 0.00001.
gnomAD v4.1: 4 of 1,613,480 alleles (0.00025%); highest among the groups gnomAD compares: Non-Finnish European, 0.00034%; no homozygotes.

Submission:

Labcorp Genetics (formerly Invitae), Labcorp
Classification: Uncertain significance. Last evaluated: 2025-07-14. Review status: criteria provided, single submitter. Criteria: Invitae Variant Classification Sherloc (09022015). Collection method: clinical testing. Allele origin: germline.
Comment: This sequence change replaces serine, which is neutral and polar, with phenylalanine, which is neutral and non-polar, at codon 1188 of the POLR1A protein (p.Ser1188Phe). This variant is present in population databases (no rsID available, gnomAD 0.0009%). This variant has not been reported in the literature in individuals affected with POLR1A-related conditions. ClinVar contains an entry for this variant (Variation ID: 1938382). Invitae Evidence Modeling of protein sequence and biophysical properties (such as structural, functional, and spatial information, amino acid conservation, physicochemical variation, residue mobility, and thermodynamic stability) indicates that this missense variant is not expected to disrupt POLR1A protein function with a negative predictive value of 80%. In summary, the available evidence is currently insufficient to determine the role of this variant in disease. Therefore, it has been classified as a Variant of Uncertain Significance.